The following is an entry in ClinVar:

ClinVar aggregate classification (germline): Likely pathogenic (1 of 4 stars; one submission).

Conditions:
Landau-Kleffner syndrome (FESD). Also called: EPILEPSY, FOCAL, WITH SPEECH DISORDER AND WITH OR WITHOUT MENTAL RETARDATION; APHASIA, ACQUIRED, WITH EPILEPSY. Identifiers: Orphanet 1945, Orphanet 725, Orphanet 98818, MedGen C0282512, MONDO:0009509, OMIM 245570.

Submission:

MGZ Medical Genetics Center
Classification: Likely pathogenic for Landau-Kleffner syndrome. Last evaluated: 2022-05-24. Review status: criteria provided, single submitter. Criteria: ACMG Guidelines, 2015. Collection method: clinical testing. Allele origin: germline. Affected: yes. Observed: 1 variant allele.
Comment: ACMG criteria applied: PVS1, PM2_SUP

NM_001134407.3(GRIN2A):c.2008-2A>C

Gene: GRIN2A (glutamate ionotropic receptor NMDA type subunit 2A; minus strand). Cytogenetic location: 16p13.2.
Variant type: single nucleotide variant.
Coding change: c.2008-2A>C on transcript NM_001134407.3 (MANE Select); the canonical splice acceptor site of the intron before coding-DNA position 2008, A replaced by C.
Molecular consequence: splice acceptor variant.
Genome position (GRCh38, 1-based): chr16:9,822,426, T>G on the plus strand (A>C on the coding strand, the complement: GRIN2A is on the minus strand). VCF-style: chr16-9822426-T-G. GRCh37 (hg19) VCF-style: chr16-9916283-T-G.
Other names: c.2008-2A>C (NM_001134408.2, NM_000833.5).
Identifiers: ClinVar variation 1709534 (VCV001709534.2), dbSNP rs2506094896, ClinGen allele CA394798014.
Genomic context (GRCh38, chr16:9,822,426, plus strand): 5'-CTTCCATTAGGCACTGTCCCAAATCGAAAAGGTGGGGAATAGTCATGAGGTCTCTGAAAC[T>G]GGAGAGAGAACGAGAAAGGAAGAGAGAGAGTAGGAAAAGAAAGAGAAGGGAGGAGGGGGA-3'